The following is an entry in ClinVar:

NM_017612.5(ZCCHC8):c.76C>T (p.Pro26Ser)

Gene: ZCCHC8 (zinc finger CCHC-type containing 8; minus strand). Cytogenetic location: 12q24.31.
Variant type: single nucleotide variant.
Coding change: c.76C>T on transcript NM_017612.5 (MANE Select); coding-DNA position 76, C replaced by T.
Protein change: p.Pro26Ser; replaces proline 26 with serine.
Molecular consequence: missense variant. On other transcripts: 5 prime UTR variant (3).
Genome position (GRCh38, 1-based): chr12:122,500,765, G>A on the plus strand (C>T on the coding strand, the complement: ZCCHC8 is on the minus strand). VCF-style: chr12-122500765-G-A. GRCh37 (hg19) VCF-style: chr12-122985312-G-A.
Other names: c.76C>T, p.Pro26Ser (NM_001350935.2); c.-848C>T (NM_001350936.2); c.-469C>T (NM_001350937.2); c.-363C>T (NM_001350938.2); c.76C>T (NM_017612.3); short protein forms P26S.
Identifiers: ClinVar variation 1389458 (VCV001389458.7), dbSNP rs1008499717, ClinGen allele CA244760583.

ClinVar aggregate classification (germline): Uncertain significance. Review status: criteria provided, multiple submitters, no conflicts (2 of 4 stars). 2 submissions from 2 submitters: Uncertain significance (2). Last evaluated 2025-07-12.

Allele frequency attached by ClinVar (database versions not stated): gnomAD 0.00001; gnomAD exomes 0.00001 and 0.00003; TOPMed 0.00002.
gnomAD v4.1: 51 of 1,590,182 alleles (0.0032%); highest among the groups gnomAD compares: Non-Finnish European, 0.0041%; no homozygotes.

Submissions (2):

Ambry Genetics
Classification: Uncertain significance. Last evaluated: 2025-07-12. Review status: criteria provided, single submitter. Criteria: Ambry Variant Classification Scheme 2023. Collection method: clinical testing. Allele origin: germline.

Labcorp Genetics (formerly Invitae), Labcorp
Classification: Uncertain significance. Last evaluated: 2023-11-18. Review status: criteria provided, single submitter. Criteria: Invitae Variant Classification Sherloc (09022015). Collection method: clinical testing. Allele origin: germline.
Comment: This sequence change replaces proline, which is neutral and non-polar, with serine, which is neutral and polar, at codon 26 of the ZCCHC8 protein (p.Pro26Ser). The frequency data for this variant in the population databases is considered unreliable, as metrics indicate poor data quality at this position in the gnomAD database. This variant has not been reported in the literature in individuals affected with ZCCHC8-related conditions. ClinVar contains an entry for this variant (Variation ID: 1389458). An algorithm developed to predict the effect of missense changes on protein structure and function (PolyPhen-2) suggests that this variant is likely to be tolerated. In summary, the available evidence is currently insufficient to determine the role of this variant in disease. Therefore, it has been classified as a Variant of Uncertain Significance.